The following is an entry in ClinVar:

ClinVar aggregate classification (germline): Benign/Likely benign. Review status: criteria provided, multiple submitters, no conflicts (2 of 4 stars). 3 submissions from 3 submitters: Benign (1); Likely benign (2). Last evaluated 2025-03-10.

Conditions:
Pheochromocytoma/paraganglioma syndrome 5. Also called: Paragangliomas 5; SDHA-Related Hereditary Paraganglioma-Pheochromocytoma Syndrome. Identifiers: Orphanet 29072, MedGen C3279992, MONDO:0013602, OMIM 614165.
Mitochondrial complex II deficiency, nuclear type 1. Also called: SUCCINATE CoQ REDUCTASE DEFICIENCY. Identifiers: Orphanet 3208, MedGen C5700310, MONDO:0100294, OMIM 252011.
Hereditary cancer-predisposing syndrome. Also called: Tumor predisposition; Hereditary Cancer Syndrome; Hereditary neoplastic syndrome; Neoplastic Syndromes, Hereditary. Identifiers: Orphanet 140162, MedGen C0027672, MeSH D009386, MONDO:0015356.

Allele frequency attached by ClinVar (database versions not stated): gnomAD exomes below 0.00001; gnomAD 0.00001; TOPMed 0.00001.

Submissions (3):

Myriad Genetics, Inc.
Classification: Benign for Pheochromocytoma/paraganglioma syndrome 5. Last evaluated: 2025-03-10. Review status: criteria provided, single submitter. Criteria: Myriad Autosomal Dominant, Autosomal Recessive and X-Linked Classification Criteria (2023). Collection method: clinical testing. Allele origin: unknown.
Comment: This variant is considered benign. This variant is a silent/synonymous amino acid change and it is not expected to impact splicing.

Labcorp Genetics (formerly Invitae), Labcorp
Classification: Likely benign for Pheochromocytoma/paraganglioma syndrome 5; Mitochondrial complex II deficiency, nuclear type 1. Last evaluated: 2021-11-19. Review status: criteria provided, single submitter. Criteria: Invitae Variant Classification Sherloc (09022015). Collection method: clinical testing. Allele origin: germline.

Ambry Genetics
Classification: Likely benign for Hereditary cancer-predisposing syndrome. Last evaluated: 2021-01-16. Review status: criteria provided, single submitter. Criteria: Ambry Variant Classification Scheme 2023. Collection method: clinical testing. Allele origin: germline.

NM_004168.4(SDHA):c.1264C>T (p.Leu422=)

Gene: SDHA (succinate dehydrogenase complex flavoprotein subunit A; plus strand). Cytogenetic location: 5p15.33.
Variant type: single nucleotide variant.
Coding change: c.1264C>T on transcript NM_004168.4 (MANE Select); coding-DNA position 1264, C replaced by T.
Protein change: p.Leu422=; no amino-acid change (leucine 422 retained).
Molecular consequence: synonymous variant.
Genome position (GRCh38, 1-based): chr5:236,431, C>T. VCF-style: chr5-236431-C-T. GRCh37 (hg19) VCF-style: chr5-236546-C-T.
Other names: c.1120C>T, p.Leu374= (NM_001294332.2); c.1264C>T, p.Leu422= (NM_001330758.2).
Identifiers: ClinVar variation 1637276 (VCV001637276.11), dbSNP rs1405485459, ClinGen allele CA442692058.